The following is an entry in ClinVar:

ClinVar aggregate classification (germline): Benign. Review status: criteria provided, multiple submitters, no conflicts (2 of 4 stars). 3 submissions from 3 submitters: Benign (3). Last evaluated 2026-02-01.

Conditions:
Congenital stationary night blindness 1E. Also called: Night blindness, congenital stationary (complete), 1E, autosomal recessive. Identifiers: Orphanet 215, MedGen C3281215, MONDO:0013807, OMIM 614565.

Allele frequency attached by ClinVar (database versions not stated): gnomAD exomes 0.00148 and 0.00364; ExAC 0.00418; gnomAD 0.01188 and 0.01287; 1000 Genomes Project 0.01218; ESP Exome Variant Server 0.01277; TOPMed 0.01371; 1000 Genomes Project 30x 0.01437.

Submissions (3):

Labcorp Genetics (formerly Invitae), Labcorp
Classification: Benign. Last evaluated: 2026-02-01. Review status: criteria provided, single submitter. Criteria: Invitae Variant Classification Sherloc (09022015). Collection method: clinical testing. Allele origin: germline.

Illumina Laboratory Services, Illumina
Classification: Benign for Congenital stationary night blindness 1E. Last evaluated: 2018-01-12. Review status: criteria provided, single submitter. Criteria: ICSL Variant Classification Criteria 13 December 2019. Collection method: clinical testing. Allele origin: germline.
Comment: This variant was observed in the ICSL laboratory as part of a predisposition screen in an ostensibly healthy population. It had not been previously curated by ICSL or reported in the Human Gene Mutation Database (HGMD: prior to June 1st, 2018), and was therefore a candidate for classification through an automated scoring system. Utilizing variant allele frequency, disease prevalence and penetrance estimates, and inheritance mode, an automated score was calculated to assess if this variant is too frequent to cause the disease. Based on the score and internal cut-off values, a variant classified as benign is not then subjected to further curation. The score for this variant resulted in a classification of benign for this disease.

Breakthrough Genomics
Classification: Benign. Review status: criteria provided, single submitter. Criteria: ACMG Guidelines, 2015. Collection method: not provided. Allele origin: germline. Inheritance: Autosomal recessive inheritance. Affected: yes.

NM_001004334.4(GPR179):c.3881G>A (p.Arg1294Gln)

Gene: GPR179 (G protein-coupled receptor 179; minus strand). Cytogenetic location: 17q12.
Variant type: single nucleotide variant.
Coding change: c.3881G>A on transcript NM_001004334.4 (MANE Select); coding-DNA position 3881, G replaced by A.
Protein change: p.Arg1294Gln; replaces arginine 1294 with glutamine.
Molecular consequence: missense variant.
Genome position (GRCh38, 1-based): chr17:38,329,688, C>T on the plus strand (G>A on the coding strand, the complement: GPR179 is on the minus strand). VCF-style: chr17-38329688-C-T. GRCh37 (hg19) VCF-style: chr17-36485571-C-T.
Other names: short protein forms R1294Q.
Identifiers: ClinVar variation 322990 (VCV000322990.14), dbSNP rs74742940, ClinGen allele CA10650021.
Genomic context (GRCh38, chr17:38,329,688, plus strand): 5'-ACCAGCCTCTCTGGCTTTTTCCGCATCATGGGAACCACATCTATGGGCTCTGATTTTCCC[C>T]GGGCCTCCCCTCTCTTTTTTTGGGAGTCACCTGGGTCTTGTCTTAGTGCCCTCGACTCTG-3'
Protein context (NP_001004334.3, residues 1284-1304): GDSQKKRGEA[Arg1294Gln]GKSEPIDVVP